The following is an entry in ClinVar:

ClinVar aggregate classification (germline): Uncertain significance (1 of 4 stars; one submission).

Allele frequency attached by ClinVar (database versions not stated): gnomAD 0.00001.
gnomAD v4.1: 1 of 1,613,966 alleles (0.000062%); highest among the groups gnomAD compares: African/African-American, 0.0013%; no homozygotes.

Submission:

Labcorp Genetics (formerly Invitae), Labcorp
Classification: Uncertain significance. Last evaluated: 2024-02-17. Review status: criteria provided, single submitter. Criteria: Invitae Variant Classification Sherloc (09022015). Collection method: clinical testing. Allele origin: germline.
Comment: This sequence change replaces proline, which is neutral and non-polar, with leucine, which is neutral and non-polar, at codon 1131 of the ADGRA3 protein (p.Pro1131Leu). This variant is present in population databases (no rsID available, gnomAD 0.01%). This variant has not been reported in the literature in individuals affected with ADGRA3-related conditions. ClinVar contains an entry for this variant (Variation ID: 936887). An algorithm developed to predict the effect of missense changes on protein structure and function (PolyPhen-2) suggests that this variant is likely to be tolerated. In summary, the available evidence is currently insufficient to determine the role of this variant in disease. Therefore, it has been classified as a Variant of Uncertain Significance.

NM_145290.4(ADGRA3):c.3392C>T (p.Pro1131Leu)

Gene: ADGRA3 (adhesion G protein-coupled receptor A3; minus strand). Cytogenetic location: 4p15.2.
Variant type: single nucleotide variant.
Coding change: c.3392C>T on transcript NM_145290.4 (MANE Select); coding-DNA position 3392, C replaced by T.
Protein change: p.Pro1131Leu; replaces proline 1131 with leucine.
Molecular consequence: missense variant.
Genome position (GRCh38, 1-based): chr4:22,388,279, G>A on the plus strand (C>T on the coding strand, the complement: ADGRA3 is on the minus strand). VCF-style: chr4-22388279-G-A. GRCh37 (hg19) VCF-style: chr4-22389902-G-A.
Other names: short protein forms P1131L.
Identifiers: ClinVar variation 936887 (VCV000936887.9), dbSNP rs1440656843, ClinGen allele CA356472656.
Genomic context (GRCh38, chr4:22,388,279, plus strand): 5'-ATATCATTGTCCATTGAATGTTCTGTCAGACTATTATCAAGCTGAGGGGTGGAGTTCAAA[G>A]GTAAAGAATTGGCATGGCACTGAGCTGCAGCCGCCTGCAAGTTTGTTAATTTGCAGCCCT-3'
Protein context (NP_660333.2, residues 1121-1141): AAAQCHANSL[Pro1131Leu]LNSTPQLDNS